The following is an entry in ClinVar:

NM_001347721.2(DYRK1A):c.1520-9A>G

Gene: DYRK1A (dual specificity tyrosine phosphorylation regulated kinase 1A; plus strand). Cytogenetic location: 21q22.13.
Variant type: single nucleotide variant.
Coding change: c.1520-9A>G on transcript NM_001347721.2 (MANE Select); 9 bases into the intron before coding-DNA position 1520, A replaced by G.
Molecular consequence: intron variant.
Genome position (GRCh38, 1-based): chr21:37,506,090, A>G. VCF-style: chr21-37506090-A-G. GRCh37 (hg19) VCF-style: chr21-38878393-A-G.
Other names: c.1547-9A>G (NM_001396.5, NM_101395.2); c.1520-9A>G (NM_001347722.2, NM_130436.2); c.1433-9A>G (NM_001347723.2); c.1546+501A>G (NM_130438.2).
Identifiers: ClinVar variation 392440 (VCV000392440.3), dbSNP rs1057524491, ClinGen allele CA16608062.

ClinVar aggregate classification (germline): Likely benign. Review status: criteria provided, multiple submitters, no conflicts (2 of 4 stars). 2 submissions from 2 submitters: Likely benign (2). Last evaluated 2024-05-13.

Conditions:
DYRK1A-related intellectual disability syndrome (MRD7). Also called: DYRK1A Syndrome; Intellectual developmental disorder, autosomal dominant 7. Identifiers: Orphanet 464306, MedGen C5568143, MONDO:0013578, OMIM 614104.

gnomAD v4.1: 2 of 1,606,910 alleles (0.00012%); highest among the groups gnomAD compares: African/African-American, 0.0013%; no homozygotes.

Submissions (2):

Labcorp Genetics (formerly Invitae), Labcorp
Classification: Likely benign for DYRK1A-related intellectual disability syndrome. Last evaluated: 2024-05-13. Review status: criteria provided, single submitter. Criteria: Invitae Variant Classification Sherloc (09022015). Collection method: clinical testing. Allele origin: germline.

GeneDx
Classification: Likely benign. Last evaluated: 2017-01-05. Review status: criteria provided, single submitter. Criteria: GeneDx Variant Classification (06012015). Collection method: clinical testing. Allele origin: germline. Affected: yes.
Comment: This variant is considered likely benign or benign based on one or more of the following criteria: it is a conservative change, it occurs at a poorly conserved position in the protein, it is predicted to be benign by multiple in silico algorithms, and/or has population frequency not consistent with disease.